The following is an entry in ClinVar:

NM_005732.4(RAD50):c.3122A>G (p.His1041Arg)

Gene: RAD50 (RAD50 double strand break repair protein; plus strand). Cytogenetic location: 5q31.1.
Variant type: single nucleotide variant.
Coding change: c.3122A>G on transcript NM_005732.4 (MANE Select); coding-DNA position 3122, A replaced by G.
Protein change: p.His1041Arg; replaces histidine 1041 with arginine.
Molecular consequence: missense variant.
Genome position (GRCh38, 1-based): chr5:132,616,088, A>G. VCF-style: chr5-132616088-A-G. GRCh37 (hg19) VCF-style: chr5-131951780-A-G.
Other names: short protein forms H1041R.
Identifiers: ClinVar variation 141820 (VCV000141820.21), dbSNP rs149577978, ClinGen allele CA166528.

ClinVar aggregate classification (germline): Conflicting classifications of pathogenicity. Review status: criteria provided, conflicting classifications (1 of 4 stars). 5 submissions from 5 submitters: Uncertain significance (1); Likely benign (3). 1 of the submissions does not count toward it. Last evaluated 2026-01-19.

Conditions:
RAD50-related disorder. Also called: RAD50-related condition.
Hereditary cancer-predisposing syndrome. Also called: Neoplastic Syndromes, Hereditary; Tumor predisposition; Hereditary Cancer Syndrome; Hereditary neoplastic syndrome. Identifiers: Orphanet 140162, MedGen C0027672, MeSH D009386, MONDO:0015356.

Allele frequency attached by ClinVar (database versions not stated): gnomAD exomes 0.00007 and 0.00019; ExAC 0.00023; gnomAD 0.00059 and 0.00064; TOPMed 0.00076; ESP Exome Variant Server 0.00108.
gnomAD v4.1: 197 of 1,613,180 alleles (0.012%); highest among the groups gnomAD compares: African/African-American, 0.21%; no homozygotes.

Submissions (5):

Labcorp Genetics (formerly Invitae), Labcorp
Classification: Likely benign for Hereditary cancer-predisposing syndrome. Last evaluated: 2026-01-19. Review status: criteria provided, single submitter. Criteria: Invitae Variant Classification Sherloc (09022015). Collection method: clinical testing. Allele origin: germline.

Women's Health and Genetics/Laboratory Corporation of America, LabCorp
Classification: Uncertain significance. Last evaluated: 2025-10-06. Review status: criteria provided, single submitter. Criteria: LabCorp Variant Classification Summary - May 2015. Collection method: clinical testing. Allele origin: germline.
Comment: Variant summary: RAD50 c.3122A>G (p.His1041Arg) results in a non-conservative amino acid change in the encoded protein sequence. Algorithms developed to predict the effect of missense changes on protein structure and function are either unavailable or do not agree on the potential impact of this missense change. The variant allele was found at a frequency of 0.00019 in 250982 control chromosomes, predominantly at a frequency of 0.0025 within the African or African-American subpopulation in the gnomAD database. The observed variant frequency within African or African-American control individuals in the gnomAD database is not significantly higher than the estimated maximal expected allele frequency for disease-causing variants in RAD50. c.3122A>G has been observed in an individual affected with brease cancer without clear evidence of causality (de Oliveira_2022). These report(s) do not provide unequivocal conclusions about association of the variant with Nijmegen Breakage Syndrome-Like Disorder. To our knowledge, no experimental evidence demonstrating an impact on protein function has been reported. The following publication have been ascertained in the context of this evaluation (PMID: 35534704). ClinVar contains an entry for this variant (Variation ID: 141820). Based on the evidence outlined above, the variant was classified as uncertain significance.

Quest Diagnostics Nichols Institute San Juan Capistrano
Classification: Likely benign. Last evaluated: 2022-09-08. Review status: criteria provided, single submitter. Criteria: Quest Diagnostics criteria. Collection method: clinical testing. Allele origin: unknown.

Ambry Genetics
Classification: Likely benign for Hereditary cancer-predisposing syndrome. Last evaluated: 2022-08-16. Review status: criteria provided, single submitter. Criteria: Ambry Variant Classification Scheme 2023. Collection method: clinical testing. Allele origin: germline.

PreventionGenetics, part of Exact Sciences
Classification: Likely benign for RAD50-related condition. Last evaluated: 2022-02-11. Review status: no assertion criteria provided. Collection method: clinical testing. Allele origin: germline. Not counted in ClinVar's aggregate classification.
Comment: This variant is classified as likely benign based on ACMG/AMP sequence variant interpretation guidelines (Richards et al. 2015 PMID: 25741868, with internal and published modifications).

Literature cited by the submitters: PubMed 35534704 (cited by Women's Health and Genetics/Laboratory Corporation of America, LabCorp); PubMed 23555315 (cited by Quest Diagnostics Nichols Institute San Juan Capistrano and Ambry Genetics); PubMed 33471991 (cited by Quest Diagnostics Nichols Institute San Juan Capistrano); PubMed 32832836 (cited by Ambry Genetics).